The following is an entry in ClinVar:

ClinVar aggregate classification (germline): Uncertain significance. Review status: criteria provided, multiple submitters, no conflicts (2 of 4 stars). 2 submissions from 2 submitters: Uncertain significance (2). Last evaluated 2026-01-20.

Conditions:
Inborn genetic diseases. Identifiers: MedGen C0950123, MeSH D030342.
Neonatal-onset encephalopathy with rigidity and seizures. Also called: Lethal neonatal spasticity-epileptic encephalopathy syndrome. Identifiers: Orphanet 435845, MedGen C3281029, MONDO:0013784, OMIM 614498.

gnomAD v4.1: 13 of 1,612,864 alleles (0.00081%); highest among the groups gnomAD compares: Non-Finnish European, 0.001%; no homozygotes.

Submissions (2):

Ambry Genetics
Classification: Uncertain significance for Inborn genetic diseases. Last evaluated: 2026-01-20. Review status: criteria provided, single submitter. Criteria: Ambry Variant Classification Scheme 2023. Collection method: clinical testing. Allele origin: germline.

Labcorp Genetics (formerly Invitae), Labcorp
Classification: Uncertain significance for Neonatal-onset encephalopathy with rigidity and seizures. Last evaluated: 2022-07-06. Review status: criteria provided, single submitter. Criteria: Invitae Variant Classification Sherloc (09022015). Collection method: clinical testing. Allele origin: germline.
Comment: This sequence change replaces proline, which is neutral and non-polar, with arginine, which is basic and polar, at codon 743 of the BRAT1 protein (p.Pro743Arg). This variant is not present in population databases (gnomAD no frequency). This variant has not been reported in the literature in individuals affected with BRAT1-related conditions. Algorithms developed to predict the effect of missense changes on protein structure and function (SIFT, PolyPhen-2, Align-GVGD) all suggest that this variant is likely to be tolerated. In summary, the available evidence is currently insufficient to determine the role of this variant in disease. Therefore, it has been classified as a Variant of Uncertain Significance.

NM_152743.4(BRAT1):c.2228C>G (p.Pro743Arg)

Gene: BRAT1 (BRCA1 associated ATM activator 1; minus strand). Cytogenetic location: 7p22.3.
Variant type: single nucleotide variant.
Coding change: c.2228C>G on transcript NM_152743.4 (MANE Select); coding-DNA position 2228, C replaced by G.
Protein change: p.Pro743Arg; replaces proline 743 with arginine.
Molecular consequence: missense variant. On other transcripts: non-coding transcript variant (1).
Genome position (GRCh38, 1-based): chr7:2,538,307, G>C on the plus strand (C>G on the coding strand, the complement: BRAT1 is on the minus strand). VCF-style: chr7-2538307-G-C. GRCh37 (hg19) VCF-style: chr7-2577941-G-C.
Other names: c.2408C>G, p.Pro803Arg (NM_001350626.2); c.1703C>G, p.Pro568Arg (NM_001350627.2); c.2228C>G (NM_152743.3); short protein forms P743R, P568R, P803R.
Identifiers: ClinVar variation 2014657 (VCV002014657.5), dbSNP rs148661872, ClinGen allele CA366624179.